The following is an entry in ClinVar:

ClinVar aggregate classification (germline): Benign/Likely benign. Review status: criteria provided, multiple submitters, no conflicts (2 of 4 stars). 2 submissions from 2 submitters: Benign (1); Likely benign (1). Last evaluated 2018-01-13.

Conditions:
Qualitative or quantitative defects of delta-sarcoglycan. Identifiers: Orphanet 207070, MedGen C5680806, MONDO:0016144.

Allele frequency attached by ClinVar (database versions not stated): gnomAD exomes 0.03846; gnomAD 0.06698 and 0.06787; TOPMed 0.07361; 1000 Genomes Project 0.08307; 1000 Genomes Project 30x 0.08479.
gnomAD v4.1: 10,172 of 152,244 alleles (6.7%); highest among the groups gnomAD compares: African/African-American, 13%; 475 homozygotes.

Submissions (2):

Illumina Laboratory Services, Illumina
Classification: Benign for Qualitative or quantitative defects of delta-sarcoglycan. Last evaluated: 2018-01-13. Review status: criteria provided, single submitter. Criteria: ICSL Variant Classification Criteria 13 December 2019. Collection method: clinical testing. Allele origin: germline.
Comment: This variant was observed in the ICSL laboratory as part of a predisposition screen in an ostensibly healthy population. It had not been previously curated by ICSL or reported in the Human Gene Mutation Database (HGMD: prior to June 1st, 2018), and was therefore a candidate for classification through an automated scoring system. Utilizing variant allele frequency, disease prevalence and penetrance estimates, and inheritance mode, an automated score was calculated to assess if this variant is too frequent to cause the disease. Based on the score and internal cut-off values, a variant classified as benign is not then subjected to further curation. The score for this variant resulted in a classification of benign for this disease.

Breakthrough Genomics
Classification: Likely benign. Review status: criteria provided, single submitter. Criteria: ACMG Guidelines, 2015. Collection method: not provided. Allele origin: germline. Inheritance: Autosomal recessive inheritance. Affected: yes.

NM_000337.6(SGCD):c.*4166T>C

Gene: SGCD (sarcoglycan delta; plus strand). Cytogenetic location: 5q33.3.
Variant type: single nucleotide variant.
Coding change: c.*4166T>C on transcript NM_000337.6 (MANE Select); 4166 bases downstream of the stop codon, T replaced by C.
Molecular consequence: 3 prime UTR variant.
Genome position (GRCh38, 1-based): chr5:156,763,556, T>C. VCF-style: chr5-156763556-T-C. GRCh37 (hg19) VCF-style: chr5-156190567-T-C.
Other names: c.*4166T>C (NM_001128209.2).
Identifiers: ClinVar variation 352385 (VCV000352385.7), dbSNP rs55653598, ClinGen allele CA10619797.